The following is an entry in ClinVar:

NM_000017.4(ACADS):c.624+5G>A

Gene: ACADS (acyl-CoA dehydrogenase short chain; plus strand). Cytogenetic location: 12q24.31.
Variant type: single nucleotide variant.
Coding change: c.624+5G>A on transcript NM_000017.4 (MANE Select); 5 bases into the intron after coding-DNA position 624, G replaced by A.
Molecular consequence: intron variant.
Genome position (GRCh38, 1-based): chr12:120,737,993, G>A. VCF-style: chr12-120737993-G-A. GRCh37 (hg19) VCF-style: chr12-121175796-G-A.
Other names: c.473-56G>A (NM_001302554.2).
Identifiers: ClinVar variation 1446829 (VCV001446829.6), dbSNP rs2136949319, ClinGen allele CA2573148026.

ClinVar aggregate classification (germline): Uncertain significance (1 of 4 stars; one submission).

Conditions:
Deficiency of butyryl-CoA dehydrogenase (ACADSD). Also called: ACYL-CoA DEHYDROGENASE, SHORT-CHAIN, DEFICIENCY OF; Short-Chain Acyl-CoA Dehydrogenase Deficiency; SCADH DEFICIENCY; SCAD Deficiency; SCAD DEFICIENCY, MILD; ACADS DEFICIENCY. Identifiers: Orphanet 26792, MedGen C0342783, MONDO:0008722, OMIM 201470. Disease mechanism: May be benign.

Submission:

Labcorp Genetics (formerly Invitae), Labcorp
Classification: Uncertain significance for Deficiency of butyryl-CoA dehydrogenase. Last evaluated: 2020-12-22. Review status: criteria provided, single submitter. Criteria: Invitae Variant Classification Sherloc (09022015). Collection method: clinical testing. Allele origin: germline.
Comment: This sequence change falls in intron 5 of the ACADS gene. It does not directly change the encoded amino acid sequence of the ACADS protein, but it affects a nucleotide within the consensus splice site of the intron. This variant is not present in population databases (ExAC no frequency). This variant has not been reported in the literature in individuals with ACADS-related conditions. Nucleotide substitutions within the consensus splice site are a relatively common cause of aberrant splicing (PMID: 17576681, 9536098). Algorithms developed to predict the effect of sequence changes on RNA splicing suggest that this variant may disrupt the consensus splice site, but this prediction has not been confirmed by published transcriptional studies. In summary, the available evidence is currently insufficient to determine the role of this variant in disease. Therefore, it has been classified as a Variant of Uncertain Significance.

Literature cited by the submitters: PubMed 17576681; PubMed 9536098.